The following is an entry in ClinVar:

ClinVar aggregate classification (germline): Uncertain significance. Review status: criteria provided, multiple submitters, no conflicts (2 of 4 stars). 3 submissions from 3 submitters: Uncertain significance (3). Last evaluated 2025-01-19.

Conditions:
Inborn genetic diseases. Identifiers: MedGen C0950123, MeSH D030342.

Allele frequency attached by ClinVar (database versions not stated): gnomAD 0.00003; TOPMed 0.00004; 1000 Genomes Project 30x 0.00016; 1000 Genomes Project 0.00020.

Submissions (3):

Ambry Genetics
Classification: Uncertain significance for Inborn genetic diseases. Last evaluated: 2025-01-19. Review status: criteria provided, single submitter. Criteria: Ambry Variant Classification Scheme 2023. Collection method: clinical testing. Allele origin: germline.

Labcorp Genetics (formerly Invitae), Labcorp
Classification: Uncertain significance. Last evaluated: 2023-11-27. Review status: criteria provided, single submitter. Criteria: Invitae Variant Classification Sherloc (09022015). Collection method: clinical testing. Allele origin: germline.
Comment: This sequence change replaces arginine, which is basic and polar, with leucine, which is neutral and non-polar, at codon 283 of the FAM161A protein (p.Arg283Leu). This variant is present in population databases (rs201935759, gnomAD 0.003%). This variant has not been reported in the literature in individuals affected with FAM161A-related conditions. ClinVar contains an entry for this variant (Variation ID: 2199026). Advanced modeling of protein sequence and biophysical properties (such as structural, functional, and spatial information, amino acid conservation, physicochemical variation, residue mobility, and thermodynamic stability) performed at Invitae indicates that this missense variant is expected to disrupt FAM161A protein function with a positive predictive value of 80%. In summary, the available evidence is currently insufficient to determine the role of this variant in disease. Therefore, it has been classified as a Variant of Uncertain Significance.

Blueprint Genetics
Classification: Uncertain significance. Last evaluated: 2021-08-19. Review status: criteria provided, single submitter. Criteria: ACMG Guidelines, 2015. Collection method: clinical testing. Allele origin: germline.

NM_001201543.2(FAM161A):c.848G>T (p.Arg283Leu)

Gene: FAM161A (FAM161 centrosomal protein A; minus strand). Cytogenetic location: 2p15.
Variant type: single nucleotide variant.
Coding change: c.848G>T on transcript NM_001201543.2 (MANE Select); coding-DNA position 848, G replaced by T.
Protein change: p.Arg283Leu; replaces arginine 283 with leucine.
Molecular consequence: missense variant. On other transcripts: non-coding transcript variant (1).
Genome position (GRCh38, 1-based): chr2:61,840,156, C>A on the plus strand (G>T on the coding strand, the complement: FAM161A is on the minus strand). VCF-style: chr2-61840156-C-A. GRCh37 (hg19) VCF-style: chr2-62067291-C-A.
Other names: c.848G>T, p.Arg283Leu (NM_032180.3); c.848G>T (NM_001201543.1); short protein forms R283L.
Identifiers: ClinVar variation 2199026 (VCV002199026.4), dbSNP rs201935759, ClinGen allele CA1679262.